The following is an entry in ClinVar:

NM_033118.4(MYLK2):c.259G>A (p.Ala87Thr)

Gene: MYLK2 (myosin light chain kinase 2; plus strand). Cytogenetic location: 20q11.21.
Variant type: single nucleotide variant.
Coding change: c.259G>A on transcript NM_033118.4 (MANE Select); coding-DNA position 259, G replaced by A.
Protein change: p.Ala87Thr; replaces alanine 87 with threonine.
Molecular consequence: missense variant.
Genome position (GRCh38, 1-based): chr20:31,820,332, G>A. VCF-style: chr20-31820332-G-A. GRCh37 (hg19) VCF-style: chr20-30408135-G-A.
Other names: short protein forms A87T.
Identifiers: ClinVar variation 954614 (VCV000954614.14), dbSNP rs753089175, ClinGen allele CA9802877.

ClinVar aggregate classification (germline): Uncertain significance. Review status: criteria provided, multiple submitters, no conflicts (2 of 4 stars). 4 submissions from 4 submitters: Uncertain significance (3). 1 of the submissions does not count toward it. Last evaluated 2026-07-31.

Conditions:
Hypertrophic cardiomyopathy 1 (CMH1). Also called: MYH7-Related Familial Hypertrophic Cardiomyopathy; Familial hypertrophic cardiomyopathy 1. Identifiers: MedGen C3495498, MONDO:0008647, OMIM 192600.
Primary familial hypertrophic cardiomyopathy (HCM). Identifiers: Orphanet 99739, MedGen C0949658, MeSH D024741, MONDO:0024573. Inheritance: Various modes of inheritance.
Hypertrophic cardiomyopathy. Also called: HYPERTROPHIC MYOCARDIOPATHY. Identifiers: Orphanet 217569, MedGen C0007194, MeSH D002312, MONDO:0005045, HP:0001639.

Allele frequency attached by ClinVar (database versions not stated): gnomAD 0.00001; gnomAD exomes 0.00001 and 0.00003; TOPMed 0.00002; ExAC 0.00003.
gnomAD v4.1: 22 of 1,612,860 alleles (0.0014%); highest among the groups gnomAD compares: East Asian, 0.018%; no homozygotes.

Submissions (4):

Petrovsky National Research Centre of Surgery, The Federal Agency for Scientific Organizations
Classification: Uncertain significance for Primary familial hypertrophic cardiomyopathy. Last evaluated: 2026-07-31. Review status: criteria provided, single submitter. Criteria: ACMG Guidelines, 2015. Collection method: research. Allele origin: unknown. Inheritance: Autosomal dominant inheritance. Affected: yes. Observed: 1 variant allele, 1 heterozygote.
Comment: Clinvar (VCV000954614.13) contains 3 entries for this variant as VUS. Variant NM_033118.4:c.259G>A is described in the literature in 2 patients with hypertrophic cardiomyopathy (PMID: 28082330, 39554508). This variant is in The Genome Aggregation Database (gnomAD) v4.1.0 with total AF=0.00001364 (Date of access 31-07-2026). Computational evidence suggests no impact on gene or gene product: REVEL score=0.104<0.4 (BP4). In accordance with ACMG(2015) criteria this variant is classified as Variant of Uncertain Significance (VUS) with following criteria selected: PS4_Supporting, BP4.

Labcorp Genetics (formerly Invitae), Labcorp
Classification: Uncertain significance for Hypertrophic cardiomyopathy 1. Last evaluated: 2025-12-22. Review status: criteria provided, single submitter. Criteria: Invitae Variant Classification Sherloc (09022015). Collection method: clinical testing. Allele origin: germline.
Comment: This sequence change replaces alanine, which is neutral and non-polar, with threonine, which is neutral and polar, at codon 87 of the MYLK2 protein (p.Ala87Thr). This variant is present in population databases (rs753089175, gnomAD 0.03%). This variant has not been reported in the literature in individuals affected with MYLK2-related conditions. ClinVar contains an entry for this variant (Variation ID: 954614). Invitae Evidence Modeling of protein sequence and biophysical properties (such as structural, functional, and spatial information, amino acid conservation, physicochemical variation, residue mobility, and thermodynamic stability) indicates that this missense variant is not expected to disrupt MYLK2 protein function with a negative predictive value of 80%. In summary, the available evidence is currently insufficient to determine the role of this variant in disease. Therefore, it has been classified as a Variant of Uncertain Significance.

Ambry Genetics
Classification: Uncertain significance. Last evaluated: 2025-10-29. Review status: criteria provided, single submitter. Criteria: Ambry Variant Classification Scheme 2023. Collection method: clinical testing. Allele origin: germline.

Zaffran Lab, Genetics of Cardiac Diseases Laboratory, Marseille Medical Genetics
Classification: Uncertain significance for hypertrophic cardiomyopathy. Review status: no assertion criteria provided. Collection method: research. Allele origin: unknown. Affected: yes. Not counted in ClinVar's aggregate classification.

Literature cited by the submitters: PubMed 39554508 (cited by Petrovsky National Research Centre of Surgery, The Federal Agency for Scientific Organizations); PubMed 28082330 (cited by Petrovsky National Research Centre of Surgery, The Federal Agency for Scientific Organizations).